The following is an entry in ClinVar:

ClinVar aggregate classification (germline): Likely pathogenic (1 of 4 stars; one submission).

Conditions:
Autosomal recessive nonsyndromic hearing loss 2. Also called: NEUROSENSORY NONSYNDROMIC RECESSIVE DEAFNESS 2; DEAFNESS, AUTOSOMAL RECESSIVE 2. Identifiers: Orphanet 90636, MedGen C1838701, MONDO:0010807, OMIM 600060.

Submission:

Institute of Rare Diseases, West China Hospital, Sichuan University
Classification: Likely pathogenic for Autosomal recessive nonsyndromic hearing loss 2. Last evaluated: 2025-01-09. Review status: criteria provided, single submitter. Criteria: ClinGen HL ACMG Specifications v1. Collection method: research. Allele origin: germline. Affected: yes.
Comment: PM3;PM2_Supporting;PP3;PS1

NM_000260.4(MYO7A):c.3546C>G (p.Asn1182Lys)

Gene: MYO7A (myosin VIIA; plus strand). Cytogenetic location: 11q13.5.
Variant type: single nucleotide variant.
Coding change: c.3546C>G on transcript NM_000260.4 (MANE Select); coding-DNA position 3546, C replaced by G.
Protein change: p.Asn1182Lys; replaces asparagine 1182 with lysine.
Molecular consequence: missense variant.
Genome position (GRCh38, 1-based): chr11:77,189,386, C>G. VCF-style: chr11-77189386-C-G. GRCh37 (hg19) VCF-style: chr11-76900431-C-G.
Other names: c.3546C>G, p.Asn1182Lys (NM_001127180.2); c.3513C>G, p.Asn1171Lys (NM_001369365.1); short protein forms N1171K, N1182K.
Identifiers: ClinVar variation 3601473 (VCV003601473.1).